The following is an entry in ClinVar:

ClinVar aggregate classification (germline): Likely benign. Review status: criteria provided, multiple submitters, no conflicts (2 of 4 stars). 3 submissions from 3 submitters: Likely benign (3). Last evaluated 2025-11-25.

Conditions:
Cardiovascular phenotype. Identifiers: MedGen CN230736.
Catecholaminergic polymorphic ventricular tachycardia (CVPT). Also called: Catecholamine-induced polymorphic ventricular tachycardia. Identifiers: Orphanet 3286, MedGen C5574922, MONDO:0017990.
Catecholaminergic polymorphic ventricular tachycardia 1. Also called: VENTRICULAR TACHYCARDIA, STRESS-INDUCED POLYMORPHIC 1; RYR2-Related Catecholaminergic Polymorphic Ventricular Tachycardia; VENTRICULAR TACHYCARDIA, CATECHOLAMINERGIC POLYMORPHIC, 1, WITH OR WITHOUT ATRIAL DYSFUNCTION AND/OR DILATED CARDIOMYOPATHY. Identifiers: Orphanet 3286, MedGen C1631597, MONDO:0011484, OMIM 604772.

gnomAD v4.1: 1 of 1,552,708 alleles (0.000064%); highest among the groups gnomAD compares: Non-Finnish European, 0.000087%; no homozygotes.

Submissions (3):

Ambry Genetics
Classification: Likely benign for Cardiovascular phenotype. Last evaluated: 2025-11-25. Review status: criteria provided, single submitter. Criteria: Ambry Variant Classification Scheme 2023. Collection method: clinical testing. Allele origin: germline.

All of Us Research Program, National Institutes of Health
Classification: Likely benign for Catecholaminergic polymorphic ventricular tachycardia. Last evaluated: 2023-08-15. Review status: criteria provided, single submitter. Criteria: ACMG Guidelines, 2015. Collection method: clinical testing. Allele origin: germline. Inheritance: Autosomal dominant inheritance. Observed: 1 variant allele, 1 heterozygote.
Comment: This study involves interpretation of variants in research participants for the purpose of population health screening. Participant phenotype was not available at the time of variant classification. Additional details can be found in publication PMID: 35346344, PMCID: PMC8962531

Labcorp Genetics (formerly Invitae), Labcorp
Classification: Likely benign for Catecholaminergic polymorphic ventricular tachycardia 1. Last evaluated: 2022-08-16. Review status: criteria provided, single submitter. Criteria: Invitae Variant Classification Sherloc (09022015). Collection method: clinical testing. Allele origin: germline.

NM_001035.3(RYR2):c.14592T>G (p.Gly4864=)

Gene: RYR2 (ryanodine receptor 2; plus strand). Cytogenetic location: 1q43.
Variant type: single nucleotide variant.
Coding change: c.14592T>G on transcript NM_001035.3 (MANE Select); coding-DNA position 14592, T replaced by G.
Protein change: p.Gly4864=; no amino-acid change (glycine 4864 retained).
Molecular consequence: synonymous variant.
Genome position (GRCh38, 1-based): chr1:237,828,382, T>G. VCF-style: chr1-237828382-T-G. GRCh37 (hg19) VCF-style: chr1-237991682-T-G.
Other names: c.14592T>G (NM_001035.2).
Identifiers: ClinVar variation 1571160 (VCV001571160.11), dbSNP rs774554572, ClinGen allele CA424051858.